The following is an entry in ClinVar:

ClinVar aggregate classification (germline): Pathogenic (1 of 4 stars; one submission).

Submission:

Labcorp Genetics (formerly Invitae), Labcorp
Classification: Pathogenic. Last evaluated: 2023-06-04. Review status: criteria provided, single submitter. Criteria: Invitae Variant Classification Sherloc (09022015). Collection method: clinical testing. Allele origin: germline.
Comment: This variant has not been reported in the literature in individuals affected with ABCA12-related conditions. For these reasons, this variant has been classified as Pathogenic. This variant is not present in population databases (gnomAD no frequency). This sequence change creates a premature translational stop signal (p.Asn510*) in the ABCA12 gene. It is expected to result in an absent or disrupted protein product. Loss-of-function variants in ABCA12 are known to be pathogenic (PMID: 20672373).

Literature cited by the submitters: PubMed 20672373.

NM_173076.3(ABCA12):c.1528_1531del (p.Ile509_Asn510insTer)

Gene: ABCA12 (ATP binding cassette subfamily A member 12; minus strand). Cytogenetic location: 2q35.
Variant type: Microsatellite.
Coding change: c.1528_1531del on transcript NM_173076.3 (MANE Select); coding-DNA positions 1528 to 1531, 4 bases deleted (AATT; older notation c.1528_1531delAATT).
Protein change: p.Ile509_Asn510insTer.
Molecular consequence: nonsense. On other transcripts: non-coding transcript variant (1).
Genome position (GRCh38, 1-based): chr2:215,019,553-215,019,556, AATT deleted on the plus strand (AATT on the coding strand, the reverse complement: ABCA12 is on the minus strand); deleting any 4 consecutive bases within chr2:215,019,553-215,019,560 gives the same sequence; the c. name uses the placement nearest the transcript's 3' end. VCF-style (leftmost placement, unchanged base first): chr2-215019552-AAATT-A. GRCh37 (hg19) VCF-style: chr2-215884276-AAATT-A.
Other names: c.574_577del, p.Ile191_Asn192insTer (NM_015657.4).
Identifiers: ClinVar variation 2768293 (VCV002768293.3), dbSNP rs2469340581, ClinGen allele CA2697550435.